The following is an entry in ClinVar:

NM_001110556.2(FLNA):c.1963C>T (p.Arg655Cys)

Gene: FLNA (filamin A; minus strand). Cytogenetic location: Xq28.
Variant type: single nucleotide variant.
Coding change: c.1963C>T on transcript NM_001110556.2 (MANE Select); coding-DNA position 1963, C replaced by T.
Protein change: p.Arg655Cys; replaces arginine 655 with cysteine.
Molecular consequence: missense variant.
Genome position (GRCh38, 1-based): chrX:154,364,585, G>A on the plus strand (C>T on the coding strand, the complement: FLNA is on the minus strand). VCF-style: chrX-154364585-G-A. GRCh37 (hg19) VCF-style: chrX-153592953-G-A.
Other names: c.1963C>T (NM_001456.3); c.1963C>T, p.Arg655Cys (NM_001456.4); short protein forms R655C.
Identifiers: ClinVar variation 1421055 (VCV001421055.32), dbSNP rs376867823, ClinGen allele CA10561042.
Genomic context (GRCh38, chrX:154,364,585, plus strand): 5'-CCCTGTCTGGGTGGAAGTCCTGGGGCGCGTCACGGATGTCAGCCATGAAGGGGCTGAGGC[G>A]GATGTCTTCGCTGTTGCACAGCACGTGAACGGCATACTCGCCAGCCTCCTGCGGCCAGTA-3'
Protein context (NP_001104026.1, residues 645-665): VHVLCNSEDI[Arg655Cys]LSPFMADIRD

ClinVar aggregate classification (germline): Conflicting classifications of pathogenicity. Review status: criteria provided, conflicting classifications (1 of 4 stars). 3 submissions from 3 submitters: Uncertain significance (2); Likely benign (1). Last evaluated 2025-08-17.

Conditions:
Frontometaphyseal dysplasia (FMD1). Identifiers: Orphanet 1826, MedGen C0265293, MONDO:0015942.
Heterotopia, periventricular, X-linked dominant (PVNH1). Also called: PERIVENTRICULAR NODULAR HETEROTOPIA 4; HETEROTOPIA, PERIVENTRICULAR, 1; PERIVENTRICULAR NODULAR HETEROTOPIA 1; X-linked periventricular heterotopia. Identifiers: Orphanet 2149, Orphanet 82004, MedGen C1848213, MONDO:0010233, OMIM 300049.
Melnick-Needles syndrome (MNS). Also called: Melnick-Needles Syndrome (FLNA-MNS); MELNICK-NEEDLES OSTEODYSPLASTY; OSTEODYSPLASTY OF MELNICK AND NEEDLES. Identifiers: Orphanet 2484, MedGen C0025237, MONDO:0010650, OMIM 309350.
Oto-palato-digital syndrome, type II (OPD2). Also called: Otopalatodigital Syndrome, Type II; Otopalatodigital Syndrome Type 2 (FLNA-OPD2); FACIOPALATOOSSEOUS SYNDROME; OPD II SYNDROME. Identifiers: Orphanet 669, Orphanet 90652, MedGen C1844696, MONDO:0010571, OMIM 304120.

Allele frequency attached by ClinVar (database versions not stated): ExAC 0.00001; gnomAD 0.00001; gnomAD exomes 0.00001; TOPMed 0.00001; ESP Exome Variant Server 0.00010.

Submissions (3):

Labcorp Genetics (formerly Invitae), Labcorp
Classification: Likely benign for Oto-palato-digital syndrome, type II; Heterotopia, periventricular, X-linked dominant; Frontometaphyseal dysplasia; Melnick-Needles syndrome. Last evaluated: 2025-08-17. Review status: criteria provided, single submitter. Criteria: Invitae Variant Classification Sherloc (09022015). Collection method: clinical testing. Allele origin: germline.

CeGaT Center for Human Genetics Tuebingen
Classification: Uncertain significance. Last evaluated: 2022-12-01. Review status: criteria provided, single submitter. Criteria: CeGaT Center For Human Genetics Tuebingen Variant Classification Criteria Version 2. Collection method: clinical testing. Allele origin: germline. Affected: yes. Observed: 1 variant allele.
Comment: FLNA: PM2, PP2

GeneDx
Classification: Uncertain significance. Last evaluated: 2022-10-06. Review status: criteria provided, single submitter. Criteria: GeneDx Variant Classification Process June 2021. Collection method: clinical testing. Allele origin: germline. Affected: yes.
Comment: In silico analysis supports that this missense variant has a deleterious effect on protein structure/function; Has not been previously published as pathogenic or benign to our knowledge